The following is an entry in ClinVar:

ClinVar aggregate classification (germline): Uncertain significance. Review status: criteria provided, multiple submitters, no conflicts (2 of 4 stars). 3 submissions from 3 submitters: Uncertain significance (3). Last evaluated 2025-11-01.

Allele frequency attached by ClinVar (database versions not stated): ExAC 0.00002; gnomAD exomes 0.00002.
gnomAD v4.1: 64 of 1,614,052 alleles (0.004%); highest among the groups gnomAD compares: Middle Eastern, 0.12%; no homozygotes.

Submissions (3):

Labcorp Genetics (formerly Invitae), Labcorp
Classification: Uncertain significance. Last evaluated: 2025-11-01. Review status: criteria provided, single submitter. Criteria: Invitae Variant Classification Sherloc (09022015). Collection method: clinical testing. Allele origin: germline.
Comment: This sequence change replaces serine, which is neutral and polar, with isoleucine, which is neutral and non-polar, at codon 423 of the NLRP1 protein (p.Ser423Ile). This variant is present in population databases (rs201861834, gnomAD 0.002%). This variant has not been reported in the literature in individuals affected with NLRP1-related conditions. ClinVar contains an entry for this variant (Variation ID: 1479818). An algorithm developed to predict the effect of missense changes on protein structure and function (PolyPhen-2) suggests that this variant is likely to be disruptive. In summary, the available evidence is currently insufficient to determine the role of this variant in disease. Therefore, it has been classified as a Variant of Uncertain Significance.

Blueprint Genetics
Classification: Uncertain significance. Last evaluated: 2024-02-09. Review status: criteria provided, single submitter. Criteria: ACMG Guidelines, 2015. Collection method: clinical testing. Allele origin: germline.

Breakthrough Genomics
Classification: Uncertain significance. Review status: criteria provided, single submitter. Criteria: ACMG Guidelines, 2015. Collection method: not provided. Allele origin: germline. Inheritance: Autosomal recessive inheritance. Affected: yes.

NM_033004.4(NLRP1):c.1268G>T (p.Ser423Ile)

Gene: NLRP1 (NLR family pyrin domain containing 1; minus strand). Cytogenetic location: 17p13.2.
Variant type: single nucleotide variant.
Coding change: c.1268G>T on transcript NM_033004.4 (MANE Select); coding-DNA position 1268, G replaced by T.
Protein change: p.Ser423Ile; replaces serine 423 with isoleucine.
Molecular consequence: missense variant.
Genome position (GRCh38, 1-based): chr17:5,559,428, C>A on the plus strand (G>T on the coding strand, the complement: NLRP1 is on the minus strand). VCF-style: chr17-5559428-C-A. GRCh37 (hg19) VCF-style: chr17-5462748-C-A.
Other names: c.1268G>T, p.Ser423Ile (NM_001033053.3, NM_014922.5, NM_033006.4 and 1 more transcripts); short protein forms S423I.
Identifiers: ClinVar variation 1479818 (VCV001479818.10), dbSNP rs201861834, ClinGen allele CA8327392.